The following is an entry in ClinVar:

ClinVar aggregate classification (germline): Pathogenic (1 of 4 stars; one submission).

Conditions:
Inborn genetic diseases. Identifiers: MedGen C0950123, MeSH D030342.

Submission:

Ambry Genetics
Classification: Pathogenic for Inborn genetic diseases. Last evaluated: 2025-12-01. Review status: criteria provided, single submitter. Criteria: Ambry Variant Classification Scheme 2023. Collection method: clinical testing. Allele origin: germline.
Comment: The c.296_297delTT pathogenic mutation, located in coding exon 2 of the MBD4 gene, results from a deletion of two nucleotides at nucleotide positions 296 to 297, causing a translational frameshift with a predicted alternate stop codon (p.F99Wfs*8). This variant is considered to be rare based on population cohorts in the Genome Aggregation Database (gnomAD). This alteration is expected to result in loss of function by premature protein truncation or nonsense-mediated mRNA decay. As such, this alteration is interpreted as a disease-causing mutation.

NM_001276270.2(MBD4):c.296_297del (p.Phe99fs)

Gene: MBD4 (methyl-CpG binding domain 4, DNA glycosylase; minus strand). Cytogenetic location: 3q21.3.
Variant type: Deletion.
Coding change: c.296_297del on transcript NM_001276270.2 (MANE Select); coding-DNA positions 296 to 297, 2 bases deleted (TT; older notation c.296_297delTT).
Protein change: p.Phe99fs; shifts the reading frame from phenylalanine 99.
Molecular consequence: frameshift variant. On other transcripts: intron variant (1).
Genome position (GRCh38, 1-based): chr3:129,437,758-129,437,759, AA deleted on the plus strand (TT on the coding strand, the reverse complement: MBD4 is on the minus strand); deleting any 2 consecutive bases within chr3:129,437,758-129,437,760 gives the same sequence; the c. name uses the placement nearest the transcript's 3' end. VCF-style (leftmost placement, unchanged base first): chr3-129437757-CAA-C. GRCh37 (hg19) VCF-style: chr3-129156600-CAA-C.
Other names: c.296_297del, p.Phe99fs (NM_001276271.2, NM_001276272.2, NM_003925.3); c.296_297delTT (NM_001276270.2); c.247+49_247+50del (NM_001276273.2); short protein forms F99fs.
Identifiers: ClinVar variation 4624433 (VCV004624433.1).
Genomic context (GRCh38, chr3:129,437,757, plus strand): 5'-TCTTTACCATCTTATATGCTTACCTGATAAAGTACACATCAAATCTTCCTGCTGTCTTCC[CAA>C]ATAACCTTTGCTTCACAACTCTTTCCCATCCACATGGGACAGACTTACGGCATTCTGTTC-3'